The following is an entry in ClinVar:

ClinVar aggregate classification (germline): Uncertain significance (1 of 4 stars; one submission).

Submission:

GeneDx
Classification: Uncertain significance. Last evaluated: 2026-01-20. Review status: criteria provided, single submitter. Criteria: GeneDx Variant Classification Process June 2021. Collection method: clinical testing. Allele origin: germline.
Comment: Not observed at significant frequency in large population cohorts (gnomAD); In-silico analysis is inconclusive as to whether the variant alters gene splicing. In the absence of RNA/functional studies, the actual effect of this sequence change is unknown.; Has not been previously published as pathogenic or benign to our knowledge

NM_001374828.1(ARID1B):c.4382+3_4382+6del

Gene: ARID1B (AT-rich interaction domain 1B; plus strand). Cytogenetic location: 6q25.3.
Variant type: Deletion.
Coding change: c.4382+3_4382+6del on transcript NM_001374828.1 (MANE Select); bases 3 to 6 of the intron after coding-DNA position 4382, 4 bases deleted (GAGT; older notation c.4382+3_4382+6delGAGT).
Molecular consequence: splice donor variant.
Genome position (GRCh38, 1-based): chr6:157,196,318-157,196,321, GAGT deleted; deleting any 4 consecutive bases within chr6:157,196,316-157,196,321 gives the same sequence; the c. name uses the placement nearest the transcript's 3' end. VCF-style (leftmost placement, unchanged base first): chr6-157196315-GGTGA-G. GRCh37 (hg19) VCF-style: chr6-157517449-GGTGA-G.
Other names: c.4262+3_4262+6del (NM_001371656.1, NM_001374820.1); c.4223+3_4223+6del (NM_017519.3); c.1883+3_1883+6del (NM_001363725.2).
Identifiers: ClinVar variation 2412852 (VCV002412852.4), dbSNP rs2538595779, ClinGen allele CA2580075305.
Genomic context (GRCh38, chr6:157,196,315, plus strand): 5'-TGTCTAACCTGGGCATGGGGCAGCGCCAGCAGTTTCCCTATGGAGCCAGTTACGACCGAA[GGTGA>G]GTATTTTTTAAGATGACAATATGATGATTTACTAGAAACCGTGCTTTCCTCACACACACA-3'